The following is an entry in ClinVar:

ClinVar aggregate classification (germline): Uncertain significance (1 of 4 stars; one submission).

Conditions:
Cardiovascular phenotype. Identifiers: MedGen CN230736.

gnomAD v4.1: 2 of 1,614,200 alleles (0.00012%); highest among the groups gnomAD compares: East Asian, 0.0045%; no homozygotes.

Submission:

Ambry Genetics
Classification: Uncertain significance for Cardiovascular phenotype. Last evaluated: 2026-09-07. Review status: criteria provided, single submitter. Criteria: Ambry Variant Classification Scheme 2023. Collection method: clinical testing. Allele origin: germline.
Comment: The p.E1242K variant (also known as c.3724G>A), located in coding exon 21 of the SCN10A gene, results from a G to A substitution at nucleotide position 3724. The glutamic acid at codon 1242 is replaced by lysine, an amino acid with similar properties. This amino acid position is conserved. In addition, the in silico prediction for this alteration is inconclusive. Based on the available evidence, the clinical significance of this variant remains unclear.

NM_006514.4(SCN10A):c.3724G>A (p.Glu1242Lys)

Gene: SCN10A (sodium voltage-gated channel alpha subunit 10; minus strand). Cytogenetic location: 3p22.2.
Variant type: single nucleotide variant.
Coding change: c.3724G>A on transcript NM_006514.4 (MANE Select); coding-DNA position 3724, G replaced by A.
Protein change: p.Glu1242Lys; replaces glutamic acid 1242 with lysine.
Molecular consequence: missense variant.
Genome position (GRCh38, 1-based): chr3:38,714,038, C>T on the plus strand (G>A on the coding strand, the complement: SCN10A is on the minus strand). VCF-style: chr3-38714038-C-T. GRCh37 (hg19) VCF-style: chr3-38755529-C-T.
Other names: c.3721G>A, p.Glu1241Lys (NM_001293306.2); c.3430G>A, p.Glu1144Lys (NM_001293307.2); short protein forms E1144K, E1242K, E1241K.
Identifiers: ClinVar variation 5029101 (VCV005029101.1).